The following is an entry in ClinVar:

ClinVar aggregate classification (germline): Uncertain significance (1 of 4 stars; one submission).

Conditions:
Combined immunodeficiency due to LRBA deficiency. Also called: Common variable immunodeficiency 8, with autoimmunity. Identifiers: Orphanet 445018, MedGen C3553512, MONDO:0013863, OMIM 614700.

Allele frequency attached by ClinVar (database versions not stated): gnomAD exomes 0.00001.
gnomAD v4.1: 11 of 1,612,618 alleles (0.00068%); highest among the groups gnomAD compares: Non-Finnish European, 0.00093%; no homozygotes.

Submission:

Labcorp Genetics (formerly Invitae), Labcorp
Classification: Uncertain significance for Combined immunodeficiency due to LRBA deficiency. Last evaluated: 2022-01-02. Review status: criteria provided, single submitter. Criteria: Invitae Variant Classification Sherloc (09022015). Collection method: clinical testing. Allele origin: germline.
Comment: The frequency data for this variant in the population databases is considered unreliable, as metrics indicate poor data quality at this position in the gnomAD database. This sequence change replaces glutamine, which is neutral and polar, with arginine, which is basic and polar, at codon 775 of the LRBA protein (p.Gln775Arg). This variant has not been reported in the literature in individuals affected with LRBA-related conditions. Algorithms developed to predict the effect of missense changes on protein structure and function (SIFT, PolyPhen-2, Align-GVGD) all suggest that this variant is likely to be tolerated. In summary, the available evidence is currently insufficient to determine the role of this variant in disease. Therefore, it has been classified as a Variant of Uncertain Significance.

NM_001364905.1(LRBA):c.2324A>G (p.Gln775Arg)

Gene: LRBA (LPS responsive beige-like anchor protein; minus strand). Cytogenetic location: 4q31.3.
Variant type: single nucleotide variant.
Coding change: c.2324A>G on transcript NM_001364905.1 (MANE Select); coding-DNA position 2324, A replaced by G.
Protein change: p.Gln775Arg; replaces glutamine 775 with arginine.
Molecular consequence: missense variant.
Genome position (GRCh38, 1-based): chr4:150,871,388, T>C on the plus strand (A>G on the coding strand, the complement: LRBA is on the minus strand). VCF-style: chr4-150871388-T-C. GRCh37 (hg19) VCF-style: chr4-151792540-T-C.
Other names: c.2324A>G, p.Gln775Arg (NM_001199282.3, NM_001367550.1, NM_006726.5); short protein forms Q775R.
Identifiers: ClinVar variation 2070329 (VCV002070329.4), dbSNP rs1224671322, ClinGen allele CA358466883.